The following is an entry in ClinVar:

ClinVar aggregate classification (germline): Likely benign. Review status: criteria provided, multiple submitters, no conflicts (2 of 4 stars). 4 submissions from 4 submitters: Likely benign (3). 1 of the submissions does not count toward it. Last evaluated 2024-11-01.

Conditions:
RP1L1-related disorder. Also called: RP1L1-related condition.

Allele frequency attached by ClinVar (database versions not stated): ExAC 0.00017; gnomAD 0.00018; TOPMed 0.00019; ESP Exome Variant Server 0.00024; gnomAD exomes 0.00031.
gnomAD v4.1: 472 of 1,613,606 alleles (0.029%); highest among the groups gnomAD compares: Non-Finnish European, 0.037%; no homozygotes.

Submissions (4):

CeGaT Center for Human Genetics Tuebingen
Classification: Likely benign. Last evaluated: 2024-11-01. Review status: criteria provided, single submitter. Criteria: CeGaT Center For Human Genetics Tuebingen Variant Classification Criteria Version 2. Collection method: clinical testing. Allele origin: germline. Affected: yes. Observed: 1 variant allele.
Comment: RP1L1: BP4, BP7

Blueprint Genetics
Classification: Likely benign. Last evaluated: 2024-10-09. Review status: criteria provided, single submitter. Criteria: ACMG Guidelines, 2015. Collection method: clinical testing. Allele origin: germline.

Breakthrough Genomics
Classification: Likely benign. Review status: criteria provided, single submitter. Criteria: ACMG Guidelines, 2015. Collection method: not provided. Allele origin: germline. Inheritance: Autosomal recessive inheritance. Affected: yes.

PreventionGenetics, part of Exact Sciences
Classification: Likely benign for RP1L1-related condition. Last evaluated: 2019-10-16. Review status: no assertion criteria provided. Collection method: clinical testing. Allele origin: germline. Not counted in ClinVar's aggregate classification.
Comment: This variant is classified as likely benign based on ACMG/AMP sequence variant interpretation guidelines (Richards et al. 2015 PMID: 25741868, with internal and published modifications).

NM_178857.6(RP1L1):c.3855G>A (p.Ala1285=)

Gene: RP1L1 (RP1 like 1). Cytogenetic location: 8p23.1.
Variant type: single nucleotide variant.
Coding change: c.3855G>A on transcript NM_178857.6 (MANE Select); coding-DNA position 3855, G replaced by A.
Protein change: p.Ala1285=; no amino-acid change (alanine 1285 retained).
Molecular consequence: synonymous variant.
Genome position (GRCh38, 1-based): chr8:10,610,243, C>T on the plus strand (G>A on the coding strand, the complement: RP1L1 is on the minus strand). VCF-style: chr8-10610243-C-T. GRCh37 (hg19) VCF-style: chr8-10467753-C-T.
Identifiers: ClinVar variation 3052908 (VCV003052908.17), dbSNP rs370028633, ClinGen allele CA4624358.